The following is an entry in ClinVar:

NM_033028.5(BBS4):c.1322A>C (p.Lys441Thr)

Gene: BBS4 (Bardet-Biedl syndrome 4; plus strand). Cytogenetic location: 15q24.1.
Variant type: single nucleotide variant.
Coding change: c.1322A>C on transcript NM_033028.5 (MANE Select); coding-DNA position 1322, A replaced by C.
Protein change: p.Lys441Thr; replaces lysine 441 with threonine.
Molecular consequence: missense variant. On other transcripts: non-coding transcript variant (2).
Genome position (GRCh38, 1-based): chr15:72,736,835, A>C. VCF-style: chr15-72736835-A-C. GRCh37 (hg19) VCF-style: chr15-73029176-A-C.
Other names: c.1322A>C (NM_033028.3); c.806A>C, p.Lys269Thr (NM_001252678.2); c.1253A>C, p.Lys418Thr (NM_001320665.2); short protein forms K418T, K269T, K441T.
Identifiers: ClinVar variation 958163 (VCV000958163.13), dbSNP rs765715632, ClinGen allele CA7646996.

ClinVar aggregate classification (germline): Uncertain significance. Review status: criteria provided, multiple submitters, no conflicts (2 of 4 stars). 5 submissions from 5 submitters: Uncertain significance (4). 1 of the submissions does not count toward it. Last evaluated 2025-08-21.

Conditions:
Bardet-Biedl syndrome (BBS). Identifiers: Orphanet 110, MedGen C0752166, MONDO:0015229.
BBS4-related disorder. Also called: BBS4-related condition.
Bardet-Biedl syndrome 4 (BBS4). Identifiers: Orphanet 110, MedGen C2936864, MONDO:0014433, OMIM 615982.
Inborn genetic diseases. Identifiers: MedGen C0950123, MeSH D030342.

Allele frequency attached by ClinVar (database versions not stated): ExAC 0.00001; gnomAD 0.00001; TOPMed 0.00001; gnomAD exomes 0.00002 and 0.00004.
gnomAD v4.1: 57 of 1,614,080 alleles (0.0035%); highest among the groups gnomAD compares: Non-Finnish European, 0.0047%; no homozygotes.

Submissions (5):

Ambry Genetics
Classification: Uncertain significance for Inborn genetic diseases. Last evaluated: 2025-08-21. Review status: criteria provided, single submitter. Criteria: Ambry Variant Classification Scheme 2023. Collection method: clinical testing. Allele origin: germline.

Fulgent Genetics
Classification: Uncertain significance for Bardet-Biedl syndrome 4. Last evaluated: 2024-02-07. Review status: criteria provided, single submitter. Criteria: ACMG Guidelines, 2015. Collection method: clinical testing. Allele origin: germline.

Blueprint Genetics
Classification: Uncertain significance. Last evaluated: 2023-10-18. Review status: criteria provided, single submitter. Criteria: ACMG Guidelines, 2015. Collection method: clinical testing. Allele origin: germline.

Labcorp Genetics (formerly Invitae), Labcorp
Classification: Uncertain significance for Bardet-Biedl syndrome. Last evaluated: 2022-07-06. Review status: criteria provided, single submitter. Criteria: Invitae Variant Classification Sherloc (09022015). Collection method: clinical testing. Allele origin: germline.
Comment: This sequence change replaces lysine, which is basic and polar, with threonine, which is neutral and polar, at codon 441 of the BBS4 protein (p.Lys441Thr). This variant is present in population databases (rs765715632, gnomAD 0.005%). This variant has not been reported in the literature in individuals affected with BBS4-related conditions. ClinVar contains an entry for this variant (Variation ID: 958163). Algorithms developed to predict the effect of missense changes on protein structure and function are either unavailable or do not agree on the potential impact of this missense change (SIFT: "Deleterious"; PolyPhen-2: "Benign"; Align-GVGD: "Class C0"). In summary, the available evidence is currently insufficient to determine the role of this variant in disease. Therefore, it has been classified as a Variant of Uncertain Significance.

PreventionGenetics, part of Exact Sciences
Classification: Uncertain significance for BBS4-related condition. Last evaluated: 2024-09-03. Review status: no assertion criteria provided. Collection method: clinical testing. Allele origin: germline. Not counted in ClinVar's aggregate classification.
Comment: The BBS4 c.1322A>C variant is predicted to result in the amino acid substitution p.Lys441Thr. To our knowledge, this variant has not been reported in the literature. This variant is reported in 0.0039% of alleles in individuals of European (Non-Finnish) descent in gnomAD. At this time, the clinical significance of this variant is uncertain due to the absence of conclusive functional and genetic evidence.